The following is an entry in ClinVar:

NM_002485.5(NBN):c.983A>T (p.His328Leu)

Gene: NBN (nibrin; minus strand). Cytogenetic location: 8q21.3.
Variant type: single nucleotide variant.
Coding change: c.983A>T on transcript NM_002485.5 (MANE Select); coding-DNA position 983, A replaced by T.
Protein change: p.His328Leu; replaces histidine 328 with leucine.
Molecular consequence: missense variant.
Genome position (GRCh38, 1-based): chr8:89,964,421, T>A on the plus strand (A>T on the coding strand, the complement: NBN is on the minus strand). VCF-style: chr8-89964421-T-A. GRCh37 (hg19) VCF-style: chr8-90976649-T-A.
Other names: c.737A>T, p.His246Leu (NM_001024688.3); short protein forms H328L, H246L.
Identifiers: ClinVar variation 1490133 (VCV001490133.8), dbSNP rs1554562099, ClinGen allele CA371656860.

ClinVar aggregate classification (germline): Uncertain significance (1 of 4 stars; one submission).

Conditions:
Microcephaly, normal intelligence and immunodeficiency (NBS). Also called: BERLIN BREAKAGE SYNDROME; Nijmegen breakage syndrome; Microcephaly with normal intelligence immunodeficiency and lymphoreticular malignancies; Nonsyndromal microcephaly autosomal recessive with normal intelligence; Seemanova syndrome 2; IMMUNODEFICIENCY, MICROCEPHALY, AND CHROMOSOMAL INSTABILITY. Identifiers: Orphanet 647, MedGen C0398791, MONDO:0009623, OMIM 251260.

Submission:

Labcorp Genetics (formerly Invitae), Labcorp
Classification: Uncertain significance for Microcephaly, normal intelligence and immunodeficiency. Last evaluated: 2021-03-24. Review status: criteria provided, single submitter. Criteria: Invitae Variant Classification Sherloc (09022015). Collection method: clinical testing. Allele origin: germline.
Comment: This sequence change replaces histidine with leucine at codon 328 of the NBN protein (p.His328Leu). The histidine residue is weakly conserved and there is a moderate physicochemical difference between histidine and leucine. This variant is not present in population databases (ExAC no frequency). This variant has not been reported in the literature in individuals with NBN-related conditions. Algorithms developed to predict the effect of missense changes on protein structure and function (SIFT, PolyPhen-2, Align-GVGD) all suggest that this variant is likely to be tolerated, but these predictions have not been confirmed by published functional studies and their clinical significance is uncertain. In summary, the available evidence is currently insufficient to determine the role of this variant in disease. Therefore, it has been classified as a Variant of Uncertain Significance.